The following is an entry in ClinVar:

NM_170606.3(KMT2C):c.9608G>T (p.Gly3203Val)

Gene: KMT2C (lysine methyltransferase 2C; minus strand). Cytogenetic location: 7q36.1.
Variant type: single nucleotide variant.
Coding change: c.9608G>T on transcript NM_170606.3 (MANE Select); coding-DNA position 9608, G replaced by T.
Protein change: p.Gly3203Val; replaces glycine 3203 with valine.
Molecular consequence: missense variant.
Genome position (GRCh38, 1-based): chr7:152,167,288, C>A on the plus strand (G>T on the coding strand, the complement: KMT2C is on the minus strand). VCF-style: chr7-152167288-C-A. GRCh37 (hg19) VCF-style: chr7-151864373-C-A.
Other names: short protein forms G3203V.
Identifiers: ClinVar variation 2500528 (VCV002500528.1), dbSNP rs1357317003, ClinGen allele CA370106787.

ClinVar aggregate classification (germline): Uncertain significance (1 of 4 stars; one submission).

Allele frequency attached by ClinVar (database versions not stated): gnomAD exomes below 0.00001.
gnomAD v4.1: 1 of 1,614,034 alleles (0.000062%); highest among the groups gnomAD compares: Non-Finnish European, 0.000085%; no homozygotes.

Submission:

GeneDx
Classification: Uncertain significance. Last evaluated: 2022-10-21. Review status: criteria provided, single submitter. Criteria: GeneDx Variant Classification Process June 2021. Collection method: clinical testing. Allele origin: germline. Affected: yes.
Comment: Not observed at significant frequency in large population cohorts (gnomAD); In silico analysis supports that this missense variant has a deleterious effect on protein structure/function; Has not been previously published as pathogenic or benign to our knowledge